The following is an entry in ClinVar:

ClinVar aggregate classification (germline): Likely pathogenic (1 of 4 stars; one submission).

Conditions:
Young-onset Parkinson disease. Identifiers: Orphanet 2828, MedGen C4275179, MONDO:0017279.

Submission:

Laboratory for Molecular Medicine, Mass General Brigham Personalized Medicine
Classification: Likely pathogenic for Young-onset Parkinson disease. Last evaluated: 2019-03-07. Review status: criteria provided, single submitter. Criteria: ACMG Guidelines, 2015. Collection method: clinical testing. Allele origin: germline. Inheritance: Autosomal recessive inheritance.
Comment: The c.3908+2T>C variant VPS13C has not been previously reported in individuals with Parkinson disease and was absent from large population studies. This variant occurs within the canonical splice site (+/- 1,2) and is predicted to cause altered splicing leading to an abnormal or absent protein. Loss of function of the VPS13C gene is associated with autosomal recessive early onset parkinsonism (Schormair 2018; Lesage 2016; Darvish 2018). In summary, although additional studies are required to fully establish its clinical significance, this variant meets criteria to be classified as likely pathogenic for autosomal recessive early onset parkinsonism. ACMG/AMP Criteria applied: PM2, PVS1_Strong.

NM_020821.3(VPS13C):c.3908+2T>C

Gene: VPS13C (vacuolar protein sorting 13 homolog C; minus strand). Cytogenetic location: 15q22.2.
Variant type: single nucleotide variant.
Coding change: c.3908+2T>C on transcript NM_020821.3 (MANE Select); the canonical splice donor site of the intron after coding-DNA position 3908, T replaced by C.
Molecular consequence: splice donor variant.
Genome position (GRCh38, 1-based): chr15:61,961,587, A>G on the plus strand (T>C on the coding strand, the complement: VPS13C is on the minus strand). VCF-style: chr15-61961587-A-G. GRCh37 (hg19) VCF-style: chr15-62253786-A-G.
Other names: c.3779+2T>C (NM_017684.5, NM_018080.4); c.3908+2T>C (NM_001018088.3).
Identifiers: ClinVar variation 3075760 (VCV003075760.1), dbSNP rs1596387135, ClinGen allele CA392702670.